The following is an entry in ClinVar:

ClinVar aggregate classification (germline): Benign/Likely benign. Review status: criteria provided, multiple submitters, no conflicts (2 of 4 stars). 3 submissions from 3 submitters: Benign (1); Likely benign (2). Last evaluated 2025-01-06.

Conditions:
Developmental and epileptic encephalopathy, 2 (DEE2). Also called: CDKL5 deficiency disorder; INFANTILE SPASM SYNDROME, X-LINKED 2. Identifiers: Orphanet 1934, Orphanet 3451, Orphanet 505652, MedGen C4750718, MONDO:0010396, OMIM 300672.
Angelman syndrome-like. Identifiers: MedGen CN128785.

Allele frequency attached by ClinVar (database versions not stated): gnomAD exomes 0.00001 and 0.00006; gnomAD 0.00002; TOPMed 0.00002; ExAC 0.00007.
gnomAD v4.1: 14 of 1,209,441 alleles (0.0012%); highest among the groups gnomAD compares: East Asian, 0.033%; no homozygotes.

Submissions (3):

Labcorp Genetics (formerly Invitae), Labcorp
Classification: Benign for Developmental and epileptic encephalopathy, 2; Angelman syndrome-like. Last evaluated: 2025-01-06. Review status: criteria provided, single submitter. Criteria: Invitae Variant Classification Sherloc (09022015). Collection method: clinical testing. Allele origin: germline.

Blueprint Genetics
Classification: Likely benign. Last evaluated: 2023-10-24. Review status: criteria provided, single submitter. Criteria: ACMG Guidelines, 2015. Collection method: clinical testing. Allele origin: germline.

GeneDx
Classification: Likely benign. Last evaluated: 2017-06-08. Review status: criteria provided, single submitter. Criteria: GeneDx Variant Classification (06012015). Collection method: clinical testing. Allele origin: germline. Affected: yes.
Comment: This variant is considered likely benign or benign based on one or more of the following criteria: it is a conservative change, it occurs at a poorly conserved position in the protein, it is predicted to be benign by multiple in silico algorithms, and/or has population frequency not consistent with disease.

NM_001323289.2(CDKL5):c.1098C>T (p.Phe366=)

Gene: CDKL5 (cyclin dependent kinase like 5; plus strand). Cytogenetic location: Xp22.13.
Variant type: single nucleotide variant.
Coding change: c.1098C>T on transcript NM_001323289.2 (MANE Select); coding-DNA position 1098, C replaced by T.
Protein change: p.Phe366=; no amino-acid change (phenylalanine 366 retained).
Molecular consequence: synonymous variant.
Genome position (GRCh38, 1-based): chrX:18,604,022, C>T. VCF-style: chrX-18604022-C-T. GRCh37 (hg19) VCF-style: chrX-18622142-C-T.
Other names: c.1098C>T, p.Phe366= (NM_001037343.2, NM_003159.3).
Identifiers: ClinVar variation 516565 (VCV000516565.11), dbSNP rs777079786, ClinGen allele CA10360349.
Genomic context (GRCh38, chrX:18,604,022, plus strand): 5'-CCAGAACCTGAGTGTAGGCCTGCCCCGGGCTGACGAAGGTCTCCCTGCCAATGAAAGCTT[C>T]CTAAATGGAAACCTTGCTGGAGCTAGTCTTAGTCCACTGCACACCAAAACCTACCAAGCA-3'
Protein context (NP_001310218.1, residues 356-376): ADEGLPANES[Phe366=]LNGNLAGASL